The following is an entry in ClinVar:

NM_001127178.3(PIGG):c.1307T>C (p.Met436Thr)

Gene: PIGG (phosphatidylinositol glycan anchor biosynthesis class G (EMM blood group); plus strand). Cytogenetic location: 4p16.3.
Variant type: single nucleotide variant.
Coding change: c.1307T>C on transcript NM_001127178.3 (MANE Select); coding-DNA position 1307, T replaced by C.
Protein change: p.Met436Thr; replaces methionine 436 with threonine.
Molecular consequence: missense variant. On other transcripts: non-coding transcript variant (6), intron variant (4).
Genome position (GRCh38, 1-based): chr4:521,248, T>C. VCF-style: chr4-521248-T-C. GRCh37 (hg19) VCF-style: chr4-515037-T-C.
Other names: c.1040T>C, p.Met347Thr (NM_001289051.2, NM_001289053.2, NM_001345986.2 and 1 more transcripts); c.908T>C, p.Met303Thr (NM_001289052.2); c.278T>C, p.Met93Thr (NM_001345988.2); c.1307T>C, p.Met436Thr (NM_001345989.2, NM_017733.5); c.233T>C, p.Met78Thr (NM_001345994.2); c.-202+21T>C (NM_001345991.2, NM_001345990.2); c.848-412T>C (NM_001289057.2); c.920+21T>C (NM_001289055.2); short protein forms M93T, M347T, M78T, M303T, M436T.
Identifiers: ClinVar variation 1506066 (VCV001506066.6), dbSNP rs2108941959, ClinGen allele CA355904220.
Genomic context (GRCh38, chr4:521,248, plus strand): 5'-TGAAGACGCTGAGCTTGTCCCTGAGTGCACAAGTGGCCCAGTACGACATCTATTCGATGA[T>C]GGTGGGGACTGTCGTGGTTTTGGAGGTACAGATGCTCACACAGTCATGGCTCAGGTGTTG-3'
Protein context (NP_001120650.1, residues 426-446): QVAQYDIYSM[Met436Thr]VGTVVVLEVL

ClinVar aggregate classification (germline): Uncertain significance (1 of 4 stars; one submission).

Conditions:
Intellectual disability, autosomal recessive 53 (NEDHSCA). Also called: GLYCOSYLPHOSPHATIDYLINOSITOL BIOSYNTHESIS DEFECT 13; Mental retardation, autosomal recessive 53; NEURODEVELOPMENTAL DISORDER WITH OR WITHOUT HYPOTONIA, SEIZURES, AND CEREBELLAR ATROPHY. Identifiers: Orphanet 488635, MedGen C4310794, MONDO:0014832, OMIM 616917.

Allele frequency attached by ClinVar (database versions not stated): gnomAD exomes below 0.00001.
gnomAD v4.1: 1 of 1,613,660 alleles (0.000062%); highest among the groups gnomAD compares: Non-Finnish European, 0.000085%; no homozygotes.

Submission:

Labcorp Genetics (formerly Invitae), Labcorp
Classification: Uncertain significance for Intellectual disability, autosomal recessive 53. Last evaluated: 2022-11-15. Review status: criteria provided, single submitter. Criteria: Invitae Variant Classification Sherloc (09022015). Collection method: clinical testing. Allele origin: germline.
Comment: ClinVar contains an entry for this variant (Variation ID: 1506066). This sequence change replaces methionine, which is neutral and non-polar, with threonine, which is neutral and polar, at codon 436 of the PIGG protein (p.Met436Thr). This variant is not present in population databases (gnomAD no frequency). This variant has not been reported in the literature in individuals affected with PIGG-related conditions. Advanced modeling of protein sequence and biophysical properties (such as structural, functional, and spatial information, amino acid conservation, physicochemical variation, residue mobility, and thermodynamic stability) performed at Invitae indicates that this missense variant is not expected to disrupt PIGG protein function. In summary, the available evidence is currently insufficient to determine the role of this variant in disease. Therefore, it has been classified as a Variant of Uncertain Significance.